The following is an entry in ClinVar:

NM_001297.5(CNGB1):c.2193C>T (p.Asn731=)

Gene: CNGB1 (cyclic nucleotide gated channel subunit beta 1; minus strand). Cytogenetic location: 16q21.
Variant type: single nucleotide variant.
Coding change: c.2193C>T on transcript NM_001297.5 (MANE Select); coding-DNA position 2193, C replaced by T.
Protein change: p.Asn731=; no amino-acid change (asparagine 731 retained).
Molecular consequence: synonymous variant.
Genome position (GRCh38, 1-based): chr16:57,916,153, G>A on the plus strand (C>T on the coding strand, the complement: CNGB1 is on the minus strand). VCF-style: chr16-57916153-G-A. GRCh37 (hg19) VCF-style: chr16-57950057-G-A.
Other names: c.2175C>T, p.Asn725= (NM_001286130.2).
Identifiers: ClinVar variation 320079 (VCV000320079.18), dbSNP rs376270, ClinGen allele CA8083128.

ClinVar aggregate classification (germline): Benign. Review status: criteria provided, multiple submitters, no conflicts (2 of 4 stars). 5 submissions from 5 submitters: Benign (5). Last evaluated 2026-02-04.

Conditions:
Retinitis pigmentosa 45 (RP45). Identifiers: Orphanet 791, MedGen C3151066, MONDO:0013413, OMIM 613767.
Retinal dystrophy. Also called: Inherited retinal dystrophy. Identifiers: Orphanet 71862, MedGen C0854723, MeSH D058499, MONDO:0019118, HP:0000556.
Retinitis pigmentosa (RP). Identifiers: Orphanet 791, MedGen C0035334, MeSH D012174, MONDO:0019200, OMIM 268000. Inheritance: Autosomal dominant, autosomal recessive and X linked inheritance.

Allele frequency attached by ClinVar (database versions not stated): ESP Exome Variant Server 0.29391; gnomAD 0.30588 and 0.31387; TOPMed 0.30690; gnomAD exomes 0.35180 and 0.35777; 1000 Genomes Project 30x 0.35290; ExAC 0.35750; 1000 Genomes Project 0.36202.
gnomAD v4.1: 561,271 of 1,612,730 alleles (35%); highest among the groups gnomAD compares: East Asian, 57%; 100,359 homozygotes.

Submissions (5):

Labcorp Genetics (formerly Invitae), Labcorp
Classification: Benign. Last evaluated: 2026-02-04. Review status: criteria provided, single submitter. Criteria: Invitae Variant Classification Sherloc (09022015). Collection method: clinical testing. Allele origin: germline.

Dept Of Ophthalmology, Nagoya University
Classification: Benign for Retinal dystrophy. Last evaluated: 2023-10-01. Review status: criteria provided, single submitter. Criteria: Submitter's publication. Collection method: research. Allele origin: germline. Affected: yes.

Genome-Nilou Lab
Classification: Benign for Retinitis pigmentosa 45. Last evaluated: 2021-07-22. Review status: criteria provided, single submitter. Criteria: ACMG Guidelines, 2015. Collection method: clinical testing. Allele origin: germline. Affected: no.

Illumina Laboratory Services, Illumina
Classification: Benign for Retinitis pigmentosa. Last evaluated: 2018-01-13. Review status: criteria provided, single submitter. Criteria: ICSL Variant Classification Criteria 13 December 2019. Collection method: clinical testing. Allele origin: germline.
Comment: This variant was observed in the ICSL laboratory as part of a predisposition screen in an ostensibly healthy population. It had not been previously curated by ICSL or reported in the Human Gene Mutation Database (HGMD: prior to June 1st, 2018), and was therefore a candidate for classification through an automated scoring system. Utilizing variant allele frequency, disease prevalence and penetrance estimates, and inheritance mode, an automated score was calculated to assess if this variant is too frequent to cause the disease. Based on the score and internal cut-off values, a variant classified as benign is not then subjected to further curation. The score for this variant resulted in a classification of benign for this disease.

Breakthrough Genomics
Classification: Benign. Review status: criteria provided, single submitter. Criteria: ACMG Guidelines, 2015. Collection method: not provided. Allele origin: germline. Inheritance: Autosomal recessive inheritance. Affected: yes.